The following is an entry in ClinVar:

ClinVar aggregate classification (germline): Uncertain significance. Review status: criteria provided, multiple submitters, no conflicts (2 of 4 stars). 3 submissions from 3 submitters: Uncertain significance (2). 1 of the submissions does not count toward it. Last evaluated 2025-06-16.

Conditions:
Granulomatous disease, chronic, autosomal recessive, cytochrome b-positive, type 2. Also called: GRANULOMATOUS DISEASE, CHRONIC, AUTOSOMAL RECESSIVE, 2; CGD, AUTOSOMAL RECESSIVE CYTOCHROME b-POSITIVE, TYPE II; GRANULOMATOUS DISEASE, CHRONIC, DUE TO NCF2 DEFICIENCY; Chronic granulomatous disease due to deficiency of NCF-2; Chronic Granulomatous Disease, Autosomal Recessive, Cytochrome b-Positive, Type II. Identifiers: Orphanet 379, MedGen C1856245, MONDO:0009310, OMIM 233710.

Submissions (3):

Women's Health and Genetics/Laboratory Corporation of America, LabCorp
Classification: Uncertain significance. Last evaluated: 2025-06-16. Review status: criteria provided, single submitter. Criteria: LabCorp Variant Classification Summary - May 2015. Collection method: clinical testing. Allele origin: germline.
Comment: Variant summary: NCF2 c.323A>T (p.Asp108Val) results in a non-conservative amino acid change in the encoded protein sequence. Algorithms developed to predict the effect of missense changes on protein structure and function all suggest that this variant is likely to be disruptive. The variant was absent in 251484 control chromosomes (gnomAD). c.323A>T has been observed in a homozygous individual affected with a late-onset, milder form of Chronic Granulomatous Disease that was subsequently cited by other papers (e.g. Yu_2008, Roos_2014). Authors of the original study reported partially decreased enzyme activity in patient derived cells (Yu_2008), consistent with the delayed age of presentation and relatively milder phenotype. The following publications have been ascertained in the context of this evaluation (PMID: 18625437, 25937994). ClinVar contains an entry for this variant (Variation ID: 68492). Based on the evidence outlined above, the variant was classified as VUS-possibly pathogenic.

GeneDx
Classification: Uncertain significance. Last evaluated: 2020-03-16. Review status: criteria provided, single submitter. Criteria: GeneDx Variant Classification Process June 2021. Collection method: clinical testing. Allele origin: germline. Affected: yes.
Comment: Not observed in large population cohorts (Lek et al., 2016); In silico analysis supports that this missense variant has a deleterious effect on protein structure/function; This variant is associated with the following publications: (PMID: 20167518, 18625437)

UniProtKB/Swiss-Prot
No classification provided. Condition: Chronic granulomatous disease, autosomal recessive cytochrome b-positive, type 2. Review status: no classification provided. Collection method: not provided. Allele origin: germline. Not counted in ClinVar's aggregate classification.

Literature cited by the submitters: PubMed 25937994 (cited by Women's Health and Genetics/Laboratory Corporation of America, LabCorp); PubMed 18625437 (cited by Women's Health and Genetics/Laboratory Corporation of America, LabCorp).

NM_000433.4(NCF2):c.323A>T (p.Asp108Val)

Gene: NCF2 (neutrophil cytosolic factor 2; minus strand). Cytogenetic location: 1q25.3.
Variant type: single nucleotide variant.
Coding change: c.323A>T on transcript NM_000433.4 (MANE Select); coding-DNA position 323, A replaced by T.
Protein change: p.Asp108Val; replaces aspartic acid 108 with valine.
Molecular consequence: missense variant.
Genome position (GRCh38, 1-based): chr1:183,577,642, T>A on the plus strand (A>T on the coding strand, the complement: NCF2 is on the minus strand). VCF-style: chr1-183577642-T-A. GRCh37 (hg19) VCF-style: chr1-183546777-T-A.
Other names: c.323A>T, p.Asp108Val (NM_001127651.3, NM_001190789.2, NM_001190794.2); short protein forms D108V.
Identifiers: ClinVar variation 68492 (VCV000068492.4), dbSNP rs137854509, ClinGen allele CA145217.
Genomic context (GRCh38, chr1:183,577,642, plus strand): 5'-GGCCCTGTTCTCCTTACCTCACAGGCAAACAGCTTGAACTGGAGCCCCAGGATCTTATAG[T>A]CTATCAGCTGGTTCCCTCGAAGCTGAATCAAGGCTTCTTTAAGGTCTTTGATAGCCAAAT-3'
Protein context (NP_000424.2, residues 98-118): LIQLRGNQLI[Asp108Val]YKILGLQFKL